The following is an entry in ClinVar:

NM_004360.5(CDH1):c.601C>T (p.Pro201Ser)

Gene: CDH1 (cadherin 1; plus strand). Cytogenetic location: 16q22.1.
Variant type: single nucleotide variant.
Coding change: c.601C>T on transcript NM_004360.5 (MANE Select); coding-DNA position 601, C replaced by T.
Protein change: p.Pro201Ser; replaces proline 201 with serine.
Molecular consequence: missense variant. On other transcripts: 5 prime UTR variant (2).
Genome position (GRCh38, 1-based): chr16:68,808,762, C>T. VCF-style: chr16-68808762-C-T. GRCh37 (hg19) VCF-style: chr16-68842665-C-T.
Other names: c.601C>T, p.Pro201Ser (NM_001317184.2); c.-1015C>T (NM_001317185.2); c.-1219C>T (NM_001317186.2); short protein forms P201S.
Identifiers: ClinVar variation 1518798 (VCV001518798.6), dbSNP rs2152130165, ClinGen allele CA396457992.

ClinVar aggregate classification (germline): Uncertain significance (1 of 4 stars; one submission).

Conditions:
Hereditary diffuse gastric adenocarcinoma (HDGC). Also called: DIFFUSE GASTRIC AND LOBULAR BREAST CANCER SYNDROME. Identifiers: Orphanet 26106, MedGen C1708349, MONDO:0007648, OMIM 137215.

Submission:

Labcorp Genetics (formerly Invitae), Labcorp
Classification: Uncertain significance for Hereditary diffuse gastric adenocarcinoma. Last evaluated: 2021-09-14. Review status: criteria provided, single submitter. Criteria: Invitae Variant Classification Sherloc (09022015). Collection method: clinical testing. Allele origin: germline.
Comment: This sequence change replaces proline with serine at codon 201 of the CDH1 protein (p.Pro201Ser). The proline residue is highly conserved and there is a moderate physicochemical difference between proline and serine. This variant is not present in population databases (ExAC no frequency). This variant has not been reported in the literature in individuals affected with CDH1-related conditions. Algorithms developed to predict the effect of missense changes on protein structure and function (SIFT, PolyPhen-2, Align-GVGD) all suggest that this variant is likely to be disruptive. In summary, the available evidence is currently insufficient to determine the role of this variant in disease. Therefore, it has been classified as a Variant of Uncertain Significance.